The following is an entry in ClinVar:

ClinVar aggregate classification (germline): Benign/Likely benign. Review status: criteria provided, multiple submitters, no conflicts (2 of 4 stars). 3 submissions from 3 submitters: Benign (1); Likely benign (2). Last evaluated 2024-11-07.

Conditions:
Renal cell carcinoma. Identifiers: Orphanet 217071, MedGen C0007134, MeSH D002292, MONDO:0005086, HP:0005584.
Papillary renal cell carcinoma type 1 (RCCP1). Also called: RENAL CELL CARCINOMA, PAPILLARY, 1, SOMATIC; Renal adenocarcinoma; Renal cell carcinoma 1; Renal cell carcinoma, somatic. Identifiers: Orphanet 47044, MedGen C1336839, OMIM 605074, HP:0011797.
Hereditary cancer-predisposing syndrome. Also called: Tumor predisposition; Hereditary Cancer Syndrome; Hereditary neoplastic syndrome; Neoplastic Syndromes, Hereditary. Identifiers: Orphanet 140162, MedGen C0027672, MeSH D009386, MONDO:0015356.

Submissions (3):

Myriad Genetics, Inc.
Classification: Benign for Papillary renal cell carcinoma type 1. Last evaluated: 2024-11-07. Review status: criteria provided, single submitter. Criteria: Myriad Autosomal Dominant, Autosomal Recessive and X-Linked Classification Criteria (2023). Collection method: clinical testing. Allele origin: unknown.
Comment: This variant is considered benign. This variant is a silent/synonymous amino acid change and it is not expected to impact splicing.

Labcorp Genetics (formerly Invitae), Labcorp
Classification: Likely benign for Renal cell carcinoma. Last evaluated: 2024-04-01. Review status: criteria provided, single submitter. Criteria: Invitae Variant Classification Sherloc (09022015). Collection method: clinical testing. Allele origin: germline.

Ambry Genetics
Classification: Likely benign for Hereditary cancer-predisposing syndrome. Last evaluated: 2016-01-28. Review status: criteria provided, single submitter. Criteria: Ambry Variant Classification Scheme 2023. Collection method: clinical testing. Allele origin: germline.

NM_000245.4(MET):c.1548T>C (p.Asn516=)

Gene: MET (MET proto-oncogene, receptor tyrosine kinase; plus strand). Cytogenetic location: 7q31.2.
Variant type: single nucleotide variant.
Coding change: c.1548T>C on transcript NM_000245.4 (MANE Select); coding-DNA position 1548, T replaced by C.
Protein change: p.Asn516=; no amino-acid change (asparagine 516 retained).
Molecular consequence: synonymous variant.
Genome position (GRCh38, 1-based): chr7:116,740,872, T>C. VCF-style: chr7-116740872-T-C. GRCh37 (hg19) VCF-style: chr7-116380926-T-C.
Other names: c.1548T>C, p.Asn516= (NM_001127500.3, NM_001324401.3); c.258T>C, p.Asn86= (NM_001324402.2).
Identifiers: ClinVar variation 485759 (VCV000485759.15), dbSNP rs1554391232, ClinGen allele CA457215559.